The following is an entry in ClinVar:

ClinVar aggregate classification (germline): Benign. Review status: criteria provided, multiple submitters, no conflicts (2 of 4 stars). 2 submissions from 2 submitters: Benign (2). Last evaluated 2018-06-16.

Allele frequency attached by ClinVar (database versions not stated): gnomAD 0.40725 and 0.41276; TOPMed 0.41090; gnomAD exomes 0.41809; 1000 Genomes Project 30x 0.45846; 1000 Genomes Project 0.46226.
gnomAD v4.1: 235,834 of 565,690 alleles (42%); highest among the groups gnomAD compares: East Asian, 64%; 51,300 homozygotes.

Submissions (2):

GeneDx
Classification: Benign. Last evaluated: 2018-06-16. Review status: criteria provided, single submitter. Criteria: GeneDx Variant Classification (06012015). Collection method: clinical testing. Allele origin: germline. Affected: yes.
Comment: This variant is considered likely benign or benign based on one or more of the following criteria: it is a conservative change, it occurs at a poorly conserved position in the protein, it is predicted to be benign by multiple in silico algorithms, and/or has population frequency not consistent with disease.

Breakthrough Genomics
Classification: Benign. Review status: criteria provided, single submitter. Criteria: ACMG Guidelines, 2015. Collection method: not provided. Allele origin: germline. Inheritance: Autosomal dominant inheritance. Affected: yes.

NM_001035.3(RYR2):c.14091-113A>G

Gene: RYR2 (ryanodine receptor 2; plus strand). Cytogenetic location: 1q43.
Variant type: single nucleotide variant.
Coding change: c.14091-113A>G on transcript NM_001035.3 (MANE Select); 113 bases into the intron before coding-DNA position 14091, A replaced by G.
Molecular consequence: intron variant.
Genome position (GRCh38, 1-based): chr1:237,801,743, A>G. VCF-style: chr1-237801743-A-G. GRCh37 (hg19) VCF-style: chr1-237965043-A-G.
Identifiers: ClinVar variation 672163 (VCV000672163.2), dbSNP rs2790347, ClinGen allele CA10757362.